The following is an entry in ClinVar:

NM_001953.5(TYMP):c.998C>T (p.Ala333Val)

Genes: SCO2 (synthesis of cytochrome C oxidase 2; minus strand), TYMP (thymidine phosphorylase; minus strand), LOC130067862 (ATAC-STARR-seq lymphoblastoid silent region 13986; plus strand). Cytogenetic location: 22q13.33.
Variant type: single nucleotide variant.
Coding change: c.998C>T on transcript NM_001953.5 (MANE Select); coding-DNA position 998, C replaced by T.
Protein change: p.Ala333Val; replaces alanine 333 with valine.
Molecular consequence: missense variant. On other transcripts: 5 prime UTR variant (1).
Genome position (GRCh38, 1-based): chr22:50,526,407, G>A on the plus strand (C>T on the coding strand, the complement: TYMP is on the minus strand). VCF-style: chr22-50526407-G-A. GRCh37 (hg19) VCF-style: chr22-50964836-G-A.
Other names: c.998C>T, p.Ala333Val (NM_001113755.3, NM_001113756.3, NM_001257988.1 and 1 more transcripts); c.-175C>T (NM_001169109.2); short protein forms A333V.
Identifiers: ClinVar variation 2023066 (VCV002023066.4), dbSNP rs756647111, ClinGen allele CA412198041.

ClinVar aggregate classification (germline): Uncertain significance (1 of 4 stars; one submission).

Submission:

Labcorp Genetics (formerly Invitae), Labcorp
Classification: Uncertain significance. Last evaluated: 2022-08-21. Review status: criteria provided, single submitter. Criteria: Invitae Variant Classification Sherloc (09022015). Collection method: clinical testing. Allele origin: germline.
Comment: In summary, the available evidence is currently insufficient to determine the role of this variant in disease. Therefore, it has been classified as a Variant of Uncertain Significance. Advanced modeling of protein sequence and biophysical properties (such as structural, functional, and spatial information, amino acid conservation, physicochemical variation, residue mobility, and thermodynamic stability) performed at Invitae indicates that this missense variant is not expected to disrupt TYMP protein function. This variant has not been reported in the literature in individuals affected with TYMP-related conditions. This variant is not present in population databases (gnomAD no frequency). This sequence change replaces alanine, which is neutral and non-polar, with valine, which is neutral and non-polar, at codon 333 of the TYMP protein (p.Ala333Val).